The following is an entry in ClinVar:

NM_005901.6(SMAD2):c.1344G>C (p.Trp448Cys)

Gene: SMAD2 (SMAD family member 2; minus strand). Cytogenetic location: 18q21.1.
Variant type: single nucleotide variant.
Coding change: c.1344G>C on transcript NM_005901.6 (MANE Select); coding-DNA position 1344, G replaced by C.
Protein change: p.Trp448Cys; replaces tryptophan 448 with cysteine.
Molecular consequence: missense variant.
Genome position (GRCh38, 1-based): chr18:47,841,887, C>G on the plus strand (G>C on the coding strand, the complement: SMAD2 is on the minus strand). VCF-style: chr18-47841887-C-G. GRCh37 (hg19) VCF-style: chr18-45368258-C-G.
Other names: c.1344G>C, p.Trp448Cys (NM_001003652.4); c.1254G>C, p.Trp418Cys (NM_001135937.3); short protein forms W448C, W418C.
Identifiers: ClinVar variation 4742060 (VCV004742060.1).
Genomic context (GRCh38, chr18:47,841,887, plus strand): 5'-TTATGACATGCTTGAGCAACGCACTGAAGGGGATCCCATCTGAGTTAATACTTTGTCCAA[C>G]CACTGTAGAGGTCCATTCAGATGAAGTTCAATCCAGCAAGGAGTACTTGTTACCGTCTGC-3'
Protein context (NP_005892.1, residues 438-458): IELHLNGPLQ[Trp448Cys]LDKVLTQMGS

ClinVar aggregate classification (germline): Uncertain significance (1 of 4 stars; one submission).

Submission:

Labcorp Genetics (formerly Invitae), Labcorp
Classification: Uncertain significance. Last evaluated: 2025-05-13. Review status: criteria provided, single submitter. Criteria: Invitae Variant Classification Sherloc (09022015). Collection method: clinical testing. Allele origin: germline.
Comment: This sequence change replaces tryptophan, which is neutral and slightly polar, with cysteine, which is neutral and slightly polar, at codon 448 of the SMAD2 protein (p.Trp448Cys). This variant is not present in population databases (gnomAD no frequency). This variant has not been reported in the literature in individuals affected with SMAD2-related conditions. Invitae Evidence Modeling of protein sequence and biophysical properties (such as structural, functional, and spatial information, amino acid conservation, physicochemical variation, residue mobility, and thermodynamic stability) indicates that this missense variant is expected to disrupt SMAD2 protein function with a positive predictive value of 80%. In summary, the available evidence is currently insufficient to determine the role of this variant in disease. Therefore, it has been classified as a Variant of Uncertain Significance.